The following is an entry in ClinVar:

NM_080680.3(COL11A2):c.877-34C>T

Gene: COL11A2 (collagen type XI alpha 2 chain; minus strand). Cytogenetic location: 6p21.32.
Variant type: single nucleotide variant.
Coding change: c.877-34C>T on transcript NM_080680.3 (MANE Select); 34 bases into the intron before coding-DNA position 877, C replaced by T.
Molecular consequence: intron variant.
Genome position (GRCh38, 1-based): chr6:33,185,088, G>A on the plus strand (C>T on the coding strand, the complement: COL11A2 is on the minus strand). VCF-style: chr6-33185088-G-A. GRCh37 (hg19) VCF-style: chr6-33152865-G-A.
Other names: c.798+1539C>T (NM_080679.3); c.799-34C>T (NM_080681.3).
Identifiers: ClinVar variation 675092 (VCV000675092.4), dbSNP rs116165521, ClinGen allele CA3751527.

ClinVar aggregate classification (germline): Benign. Review status: criteria provided, multiple submitters, no conflicts (2 of 4 stars). 6 submissions from 2 submitters: Benign (6). Last evaluated 2021-07-22.

Conditions:
Fibrochondrogenesis 2 (FBCG2). Identifiers: Orphanet 2021, MedGen C3281128, MONDO:0013795, OMIM 614524.
Autosomal dominant nonsyndromic hearing loss 13. Identifiers: Orphanet 90635, MedGen C1866095, MONDO:0011159, OMIM 601868.
Autosomal recessive nonsyndromic hearing loss 53. Identifiers: Orphanet 90636, MedGen C1864746, MONDO:0012333, OMIM 609706.
Otospondylomegaepiphyseal dysplasia, autosomal recessive (OSMEDB). Also called: CHONDRODYSTROPHY WITH SENSORINEURAL DEAFNESS; Insley-Astley syndrome. Identifiers: Orphanet 1427, MedGen CN034493, MONDO:0044206, OMIM 215150.
Otospondylomegaepiphyseal dysplasia, autosomal dominant (OSMEDA). Also called: COL11A2-Related Stickler Syndrome; Stickler syndrome, type 3; Pierre Robin syndrome with fetal chondrodysplasia. Identifiers: Orphanet 166100, Orphanet 3450, MedGen C1848488, MONDO:0008490, OMIM 184840.

Allele frequency attached by ClinVar (database versions not stated): 1000 Genomes Project 0.11162; ESP Exome Variant Server 0.11637; 1000 Genomes Project 30x 0.11774; gnomAD 0.14216 and 0.14385; TOPMed 0.14332; ExAC 0.15576; gnomAD exomes 0.19092.
gnomAD v4.1: 236,763 of 1,488,898 alleles (16%); highest among the groups gnomAD compares: Admixed American, 33%; 21,200 homozygotes.

Submissions (6):

Genome-Nilou Lab
Classification: Benign for Autosomal dominant nonsyndromic hearing loss 13. Last evaluated: 2021-07-22. Review status: criteria provided, single submitter. Criteria: ACMG Guidelines, 2015. Collection method: clinical testing. Allele origin: germline. Affected: no.

Genome-Nilou Lab
Classification: Benign for Autosomal recessive nonsyndromic hearing loss 53. Last evaluated: 2021-07-22. Review status: criteria provided, single submitter. Criteria: ACMG Guidelines, 2015. Collection method: clinical testing. Allele origin: germline. Affected: no.

Genome-Nilou Lab
Classification: Benign for Fibrochondrogenesis 2. Last evaluated: 2021-07-22. Review status: criteria provided, single submitter. Criteria: ACMG Guidelines, 2015. Collection method: clinical testing. Allele origin: germline. Affected: no.

Genome-Nilou Lab
Classification: Benign for Otospondylomegaepiphyseal dysplasia, autosomal dominant. Last evaluated: 2021-07-22. Review status: criteria provided, single submitter. Criteria: ACMG Guidelines, 2015. Collection method: clinical testing. Allele origin: germline. Affected: no.

Genome-Nilou Lab
Classification: Benign for Otospondylomegaepiphyseal dysplasia, autosomal recessive. Last evaluated: 2021-07-22. Review status: criteria provided, single submitter. Criteria: ACMG Guidelines, 2015. Collection method: clinical testing. Allele origin: germline. Affected: no.

GeneDx
Classification: Benign. Last evaluated: 2018-06-14. Review status: criteria provided, single submitter. Criteria: GeneDx Variant Classification (06012015). Collection method: clinical testing. Allele origin: germline. Affected: yes.
Comment: This variant is considered likely benign or benign based on one or more of the following criteria: it is a conservative change, it occurs at a poorly conserved position in the protein, it is predicted to be benign by multiple in silico algorithms, and/or has population frequency not consistent with disease.